The following is an entry in ClinVar:

NM_014251.3(SLC25A13):c.1945G>C (p.Gly649Arg)

Gene: SLC25A13 (solute carrier family 25 member 13; minus strand). Cytogenetic location: 7q21.3.
Variant type: single nucleotide variant.
Coding change: c.1945G>C on transcript NM_014251.3 (MANE Select); coding-DNA position 1945, G replaced by C.
Protein change: p.Gly649Arg; replaces glycine 649 with arginine.
Molecular consequence: missense variant. On other transcripts: non-coding transcript variant (1).
Genome position (GRCh38, 1-based): chr7:96,121,274, C>G on the plus strand (G>C on the coding strand, the complement: SLC25A13 is on the minus strand). VCF-style: chr7-96121274-C-G. GRCh37 (hg19) VCF-style: chr7-95750586-C-G.
Other names: c.1948G>C, p.Gly650Arg (NM_001160210.2); short protein forms G649R, G650R.
Identifiers: ClinVar variation 361010 (VCV000361010.18), dbSNP rs757317844, ClinGen allele CA4352738.

ClinVar aggregate classification (germline): Conflicting classifications of pathogenicity. Review status: criteria provided, conflicting classifications (1 of 4 stars). 8 submissions from 8 submitters: Uncertain significance (5); Likely benign (1). 2 of the submissions do not count toward it. Last evaluated 2025-04-12.

Conditions:
SLC25A13-related disorder. Also called: SLC25A13-related condition.
Citrullinemia type II. Also called: Citrullinemia Type II (CTLN2). Identifiers: Orphanet 247585, MedGen C1863844, MONDO:0016603.
Inborn genetic diseases. Identifiers: MedGen C0950123, MeSH D030342.
Adult-onset citrullinemia type I. Also called: Late-onset citrullinemia. Identifiers: Orphanet 247573, MedGen C0268546, MONDO:0016601.
Neonatal intrahepatic cholestasis due to citrin deficiency (CDNI). Also called: Neonatal-onset citrullinemia type II; Neonatal-onset citrullinemia type 2; CITRIN DEFICIENCY, NEONATAL OR INFANTILE ONSET; Neonatal Intrahepatic Cholestasis Caused by Citrin Deficiency (NICCD). Identifiers: Orphanet 247598, MedGen C1853942, MONDO:0011601, OMIM 605814.
Citrullinemia, type II, adult-onset (CDAA). Also called: CITRIN DEFICIENCY, ADOLESCENT OR ADULT ONSET. Identifiers: Orphanet 247585, MedGen CN295299, MONDO:0011326, OMIM 603471.
Citrin deficiency. Identifiers: Orphanet 247582, MedGen C1997910, MONDO:0016602.

Allele frequency attached by ClinVar (database versions not stated): ExAC 0.00007; TOPMed 0.00009; gnomAD exomes 0.00010; gnomAD 0.00011 and 0.00013.
gnomAD v4.1: 133 of 1,614,000 alleles (0.0082%); highest among the groups gnomAD compares: Middle Eastern, 0.049%; no homozygotes.

Submissions (8):

Ambry Genetics
Classification: Uncertain significance for Inborn genetic diseases. Last evaluated: 2025-04-12. Review status: criteria provided, single submitter. Criteria: Ambry Variant Classification Scheme 2023. Collection method: clinical testing. Allele origin: germline.

3billion
Classification: Likely benign for Neonatal intrahepatic cholestasis due to citrin deficiency; Citrullinemia, type II, adult-onset. Last evaluated: 2024-09-20. Review status: criteria provided, single submitter. Criteria: ACMG Guidelines, 2015. Collection method: clinical testing. Allele origin: germline. Affected: no.
Comment: The homozygous variant was found in patients diagnosed with another variant in a different gene, with no symptoms related to the gene containing the homozygous variant.

Blueprint Genetics
Classification: Uncertain significance. Last evaluated: 2023-09-26. Review status: criteria provided, single submitter. Criteria: ACMG Guidelines, 2015. Collection method: clinical testing. Allele origin: germline.

Labcorp Genetics (formerly Invitae), Labcorp
Classification: Uncertain significance for Citrin deficiency. Last evaluated: 2022-07-18. Review status: criteria provided, single submitter. Criteria: Invitae Variant Classification Sherloc (09022015). Collection method: clinical testing. Allele origin: germline.
Comment: This sequence change replaces glycine, which is neutral and non-polar, with arginine, which is basic and polar, at codon 649 of the SLC25A13 protein (p.Gly649Arg). This variant is present in population databases (rs757317844, gnomAD 0.03%). This variant has not been reported in the literature in individuals affected with SLC25A13-related conditions. ClinVar contains an entry for this variant (Variation ID: 361010). Algorithms developed to predict the effect of missense changes on protein structure and function are either unavailable or do not agree on the potential impact of this missense change (SIFT: "Deleterious"; PolyPhen-2: "Probably Damaging"; Align-GVGD: "Class C15"). In summary, the available evidence is currently insufficient to determine the role of this variant in disease. Therefore, it has been classified as a Variant of Uncertain Significance.

Illumina Laboratory Services, Illumina
Classification: Uncertain significance for Citrullinemia, type II, adult-onset. Last evaluated: 2018-01-12. Review status: criteria provided, single submitter. Criteria: ICSL Variant Classification Criteria 13 December 2019. Collection method: clinical testing. Allele origin: germline.

Eurofins Ntd Llc (ga)
Classification: Uncertain significance. Last evaluated: 2017-01-16. Review status: criteria provided, single submitter. Criteria: EGL Classification Definitions 2015. Collection method: clinical testing. Allele origin: germline. Observed: 2 variant alleles, 2 heterozygotes.

PreventionGenetics, part of Exact Sciences
Classification: Uncertain significance for SLC25A13-related condition. Last evaluated: 2024-09-10. Review status: no assertion criteria provided. Collection method: clinical testing. Allele origin: germline. Not counted in ClinVar's aggregate classification.
Comment: The SLC25A13 c.1945G>C variant is predicted to result in the amino acid substitution p.Gly649Arg. To our knowledge, this variant has not been reported in the literature. This variant is reported in 0.028% of alleles in individuals of Latino descent in gnomAD. At this time, the clinical significance of this variant is uncertain due to the absence of conclusive functional and genetic evidence.

Natera, Inc.
Classification: Uncertain significance for Late-onset citrullinemia. Last evaluated: 2020-01-17. Review status: no assertion criteria provided. Collection method: clinical testing. Allele origin: germline. Not counted in ClinVar's aggregate classification.